The following is an entry in ClinVar:

ClinVar aggregate classification (germline): Uncertain significance (1 of 4 stars; one submission).

Conditions:
Tuberous sclerosis 2 (TSC2). Identifiers: Orphanet 805, MedGen C1860707, MONDO:0013199, OMIM 613254.

Submission:

Labcorp Genetics (formerly Invitae), Labcorp
Classification: Uncertain significance for Tuberous sclerosis 2. Last evaluated: 2023-02-21. Review status: criteria provided, single submitter. Criteria: Invitae Variant Classification Sherloc (09022015). Collection method: clinical testing. Allele origin: germline.
Comment: This variant is not present in population databases (gnomAD no frequency). In summary, the available evidence is currently insufficient to determine the role of this variant in disease. Therefore, it has been classified as a Variant of Uncertain Significance. Advanced modeling of protein sequence and biophysical properties (such as structural, functional, and spatial information, amino acid conservation, physicochemical variation, residue mobility, and thermodynamic stability) performed at Invitae indicates that this missense variant is not expected to disrupt TSC2 protein function. ClinVar contains an entry for this variant (Variation ID: 1015693). This variant has not been reported in the literature in individuals affected with TSC2-related conditions. This sequence change replaces lysine, which is basic and polar, with glutamine, which is neutral and polar, at codon 1658 of the TSC2 protein (p.Lys1658Gln).

NM_000548.5(TSC2):c.4972A>C (p.Lys1658Gln)

Gene: TSC2 (TSC complex subunit 2; plus strand). Cytogenetic location: 16p13.3.
Variant type: single nucleotide variant.
Coding change: c.4972A>C on transcript NM_000548.5 (MANE Select); coding-DNA position 4972, A replaced by C.
Protein change: p.Lys1658Gln; replaces lysine 1658 with glutamine.
Molecular consequence: missense variant.
Genome position (GRCh38, 1-based): chr16:2,086,854, A>C. VCF-style: chr16-2086854-A-C. GRCh37 (hg19) VCF-style: chr16-2136855-A-C.
Other names: c.4771A>C, p.Lys1591Gln (NM_001077183.3); c.4903A>C, p.Lys1635Gln (NM_001114382.3); c.4663A>C, p.Lys1555Gln (NM_001318827.2); c.4627A>C, p.Lys1543Gln (NM_001318829.2); c.4240A>C, p.Lys1414Gln (NM_001318831.2); c.4804A>C, p.Lys1602Gln (NM_001318832.2); c.4774A>C, p.Lys1592Gln (NM_001363528.2); c.4840A>C, p.Lys1614Gln (NM_001370404.1); and 1 more; short protein forms K1414Q, K1543Q, K1555Q, K1591Q, K1592Q, K1602Q, K1614Q, K1615Q.
Identifiers: ClinVar variation 1015693 (VCV001015693.8), dbSNP rs2090867792, ClinGen allele CA394309093.